The following is an entry in ClinVar:

NM_182961.4(SYNE1):c.13021_13022del (p.Thr4341fs)

Gene: SYNE1 (spectrin repeat containing nuclear envelope protein 1; minus strand). Cytogenetic location: 6q25.2.
Variant type: Deletion.
Coding change: c.13021_13022del on transcript NM_182961.4 (MANE Select); coding-DNA positions 13021 to 13022, 2 bases deleted (AC; older notation c.13021_13022delAC).
Protein change: p.Thr4341fs; shifts the reading frame from threonine 4341.
Molecular consequence: frameshift variant.
Genome position (GRCh38, 1-based): chr6:152,331,663-152,331,664, GT deleted on the plus strand (AC on the coding strand, the reverse complement: SYNE1 is on the minus strand); deleting any 2 consecutive bases within chr6:152,331,663-152,331,665 gives the same sequence; the c. name uses the placement nearest the transcript's 3' end. VCF-style (leftmost placement, unchanged base first): chr6-152331662-GGT-G. GRCh37 (hg19) VCF-style: chr6-152652797-GGT-G.
Other names: c.12808_12809del, p.Thr4270fs (NM_033071.5); short protein forms T4341fs, T4270fs.
Identifiers: ClinVar variation 2136484 (VCV002136484.4), dbSNP rs2485325706, ClinGen allele CA2580075247.

ClinVar aggregate classification (germline): Pathogenic (1 of 4 stars; one submission).

Conditions:
Autosomal recessive ataxia, Beauce type. Also called: SYNE1-Related Autosomal Recessive Cerebellar Ataxia; Spinocerebellar ataxia, autosomal recessive 8; ATAXIA, RECESSIVE, OF BEAUCE; SYNE1 Deficiency. Identifiers: Orphanet 88644, MedGen C1853116, MONDO:0012549, OMIM 610743.
Emery-Dreifuss muscular dystrophy 4, autosomal dominant (EDMD4). Also called: EMERY-DREIFUSS MUSCULAR DYSTROPHY 4 WITH VARIABLE FEATURES. Identifiers: Orphanet 261, MedGen C2751807, MONDO:0013071, OMIM 612998.

Submission:

Labcorp Genetics (formerly Invitae), Labcorp
Classification: Pathogenic for Emery-Dreifuss muscular dystrophy 4, autosomal dominant; Autosomal recessive ataxia, Beauce type. Last evaluated: 2022-05-27. Review status: criteria provided, single submitter. Criteria: Invitae Variant Classification Sherloc (09022015). Collection method: clinical testing. Allele origin: germline.
Comment: For these reasons, this variant has been classified as Pathogenic. This variant is also known as c.13021_13022delGT (p.T4341fs). This premature translational stop signal has been observed in individual(s) with clinical features of spinocerebellar ataxia (PMID: 27671794). This variant is not present in population databases (gnomAD no frequency). This sequence change creates a premature translational stop signal (p.Thr4270Glnfs*31) in the SYNE1 gene. It is expected to result in an absent or disrupted protein product. Loss-of-function variants in SYNE1 are known to be pathogenic (PMID: 19542096, 24319099, 27086870).

Literature cited by the submitters: PubMed 27671794; PubMed 19542096; PubMed 24319099; PubMed 27086870.